The following is an entry in ClinVar:

NM_003611.3(OFD1):c.841_842del (p.Glu281fs)

Gene: OFD1 (OFD1 centriole and centriolar satellite protein; plus strand). Cytogenetic location: Xp22.2.
Variant type: Deletion.
Coding change: c.841_842del on transcript NM_003611.3 (MANE Select); coding-DNA positions 841 to 842, 2 bases deleted (GA; older notation c.841_842delGA).
Protein change: p.Glu281fs; shifts the reading frame from glutamic acid 281.
Molecular consequence: frameshift variant.
Genome position (GRCh38, 1-based): chrX:13,749,439-13,749,440, GA deleted; deleting any 2 consecutive bases within chrX:13,749,438-13,749,440 gives the same sequence; the c. name uses the placement nearest the transcript's 3' end. VCF-style (leftmost placement, unchanged base first): chrX-13749437-AAG-A. GRCh37 (hg19) VCF-style: chrX-13767556-AAG-A.
Other names: c.421_422del, p.Glu141fs (NM_001330210.2); c.841_842del, p.Glu281fs (NM_001440947.1, NM_001440948.1, NM_001330209.2); short protein forms E141fs, E281fs.
Identifiers: ClinVar variation 4838886 (VCV004838886.1).

ClinVar aggregate classification (germline): Pathogenic (1 of 4 stars; one submission).

Conditions:
Primary ciliary dyskinesia. Also called: Ciliary dyskinesia. Identifiers: Orphanet 244, MedGen C0008780, MONDO:0016575, HP:0012265.

Submission:

Ambry Genetics
Classification: Pathogenic for Primary ciliary dyskinesia. Last evaluated: 2026-01-08. Review status: criteria provided, single submitter. Criteria: Ambry Variant Classification Scheme 2023. Collection method: clinical testing. Allele origin: germline.
Comment: The c.841_842delGA (p.E281Nfs*27) alteration, located in exon 9 (coding exon 9) of the OFD1 gene, consists of a deletion of 2 nucleotides from position 841 to 842, causing a translational frameshift with a predicted alternate stop codon after 27 amino acids. This alteration is expected to result in loss of function by premature protein truncation or nonsense-mediated mRNA decay. This variant was not reported in population-based cohorts in the Genome Aggregation Database (gnomAD). Based on the available evidence, this alteration is classified as pathogenic.